The following is an entry in ClinVar:

ClinVar aggregate classification (germline): Uncertain significance. Review status: criteria provided, multiple submitters, no conflicts (2 of 4 stars). 4 submissions from 4 submitters: Uncertain significance (4). Last evaluated 2026-09-14.

Conditions:
Endometrial carcinoma. Also called: Endometrial carcinoma, somatic. Identifiers: MedGen C0476089, MONDO:0002447, OMIM 608089, HP:0012114.
Hereditary cancer-predisposing syndrome. Also called: Neoplastic Syndromes, Hereditary; Tumor predisposition; Hereditary neoplastic syndrome; Hereditary Cancer Syndrome. Identifiers: Orphanet 140162, MedGen C0027672, MeSH D009386, MONDO:0015356.
MSH3-related disorder. Also called: MSH3-related condition.

Allele frequency attached by ClinVar (database versions not stated): gnomAD exomes 0.00004 and 0.00001; gnomAD 0.00001; TOPMed 0.00003.
gnomAD v4.1: 58 of 1,613,346 alleles (0.0036%); highest among the groups gnomAD compares: Non-Finnish European, 0.0046%; no homozygotes.

Submissions (4):

PreventionGenetics, part of Exact Sciences
Classification: Uncertain significance for MSH3-related condition. Last evaluated: 2026-09-14. Review status: criteria provided, single submitter. Criteria: ACMG Guidelines, 2015. Collection method: clinical testing. Allele origin: germline.
Comment: The MSH3 c.2581A>C variant is predicted to result in the amino acid substitution p.Asn861His. This variant has been reported in an individual with renal cell cancer (Nguyen et al. 2023. PubMed ID: 38127826). It is reported in 0.00088% of alleles in individuals of European (Non-Finnish) descent in gnomAD and has been interpreted as uncertain in the ClinVar database (Variation ID: 642772). At this time, the clinical significance of this variant is uncertain due to the absence of conclusive functional and genetic evidence.

Labcorp Genetics (formerly Invitae), Labcorp
Classification: Uncertain significance. Last evaluated: 2026-01-13. Review status: criteria provided, single submitter. Criteria: Invitae Variant Classification Sherloc (09022015). Collection method: clinical testing. Allele origin: germline.
Comment: This sequence change replaces asparagine, which is neutral and polar, with histidine, which is basic and polar, at codon 861 of the MSH3 protein (p.Asn861His). This variant is present in population databases (no rsID available, gnomAD 0.003%). This variant has not been reported in the literature in individuals affected with MSH3-related conditions. ClinVar contains an entry for this variant (Variation ID: 642772). An algorithm developed to predict the effect of missense changes on protein structure and function (PolyPhen-2) suggests that this variant is likely to be tolerated. In summary, the available evidence is currently insufficient to determine the role of this variant in disease. Therefore, it has been classified as a Variant of Uncertain Significance.

Ambry Genetics
Classification: Uncertain significance for Hereditary cancer-predisposing syndrome. Last evaluated: 2025-04-09. Review status: criteria provided, single submitter. Criteria: Ambry Variant Classification Scheme 2023. Collection method: clinical testing. Allele origin: germline.

Baylor Genetics
Classification: Uncertain significance for Endometrial carcinoma. Last evaluated: 2023-12-15. Review status: criteria provided, single submitter. Criteria: ACMG Guidelines, 2015. Collection method: clinical testing. Allele origin: unknown.

NM_002439.5(MSH3):c.2581A>C (p.Asn861His)

Gene: MSH3 (mutS homolog 3; plus strand). Cytogenetic location: 5q14.1.
Variant type: single nucleotide variant.
Coding change: c.2581A>C on transcript NM_002439.5 (MANE Select); coding-DNA position 2581, A replaced by C.
Protein change: p.Asn861His; replaces asparagine 861 with histidine.
Molecular consequence: missense variant.
Genome position (GRCh38, 1-based): chr5:80,792,770, A>C. VCF-style: chr5-80792770-A-C. GRCh37 (hg19) VCF-style: chr5-80088589-A-C.
Other names: short protein forms N861H.
Identifiers: ClinVar variation 642772 (VCV000642772.14), dbSNP rs937377851, ClinGen allele CA121296525.
Genomic context (GRCh38, chr5:80,792,770, plus strand): 5'-TGAAACATATTTCTTTTTTGCAGACCAACTGTACAAGAAGAAAGAAAAATTGTAATAAAA[A>C]ATGGAAGGCACCCTGTGATTGATGTGTTGCTGGGAGAACAGGATCAATATGTCCCAAATA-3'
Protein context (NP_002430.3, residues 851-871): VQEERKIVIK[Asn861His]GRHPVIDVLL